The following is an entry in ClinVar:

ClinVar aggregate classification (germline): Uncertain significance (1 of 4 stars; one submission).

Conditions:
Inborn genetic diseases. Identifiers: MedGen C0950123, MeSH D030342.

Submission:

Ambry Genetics
Classification: Uncertain significance for Inborn genetic diseases. Last evaluated: 2026-08-26. Review status: criteria provided, single submitter. Criteria: Ambry Variant Classification Scheme 2023. Collection method: clinical testing. Allele origin: germline.
Comment: The p.R10P variant (also known as c.29G>C), located in coding exon 1 of the RECQL4 gene, results from a G to C substitution at nucleotide position 29. The arginine at codon 10 is replaced by proline, an amino acid with dissimilar properties. This amino acid position is conserved. In addition, the in silico prediction for this alteration is inconclusive. Based on the available evidence, the clinical significance of this variant remains unclear.

NM_004260.4(RECQL4):c.29G>C (p.Arg10Pro)

Genes: RECQL4 (RecQ like helicase 4; minus strand), LOC130001411 (ATAC-STARR-seq lymphoblastoid silent region 19699; plus strand). Cytogenetic location: 8q24.3.
Variant type: single nucleotide variant.
Coding change: c.29G>C on transcript NM_004260.4 (MANE Select); coding-DNA position 29, G replaced by C.
Protein change: p.Arg10Pro; replaces arginine 10 with proline.
Molecular consequence: missense variant. On other transcripts: 5 prime UTR variant (17), non-coding transcript variant (3).
Genome position (GRCh38, 1-based): chr8:144,517,756, C>G on the plus strand (G>C on the coding strand, the complement: RECQL4 is on the minus strand). VCF-style: chr8-144517756-C-G. GRCh37 (hg19) VCF-style: chr8-145743140-C-G.
Other names: c.29G>C, p.Arg10Pro (NM_001413017.1, NM_001413018.1, NM_001413019.1 and 6 more transcripts); c.-757G>C (NM_001413021.1); c.-1108G>C (NM_001413022.1, NM_001413023.1, NM_001413037.1 and 2 more transcripts); c.-1005G>C (NM_001413024.1); c.-1105G>C (NM_001413027.1); c.-833G>C (NM_001413028.1); c.-1170G>C (NM_001413030.1, NM_001413031.1, NM_001413041.1); c.-1002G>C (NM_001413032.1); and 4 more; short protein forms R10P.
Identifiers: ClinVar variation 5028112 (VCV005028112.1).
Genomic context (GRCh38, chr8:144,517,756, plus strand): 5'-CGCACCTGGCTCGGTCGCCGCCCGCGCTGCCGTCGGAACGCGCGCTCCCACGCCTGCAGC[C>G]GCTCCCGCACGTCCCGCAGCCGCTCCATGGCGCGCGCGCCCGCCCGGCCTCCGCGCTTGC-3'
Protein context (NP_004251.4, residues 1-20): MERLRDVRE[Arg10Pro]LQAWERAFRR